The following is an entry in ClinVar:

ClinVar aggregate classification (germline): Uncertain significance. Review status: criteria provided, single submitter (1 of 4 stars). 2 submissions from 2 submitters: Uncertain significance (1). 1 of the submissions does not count toward it. Last evaluated 2022-06-05.

Conditions:
TRIM32-related disorder. Also called: TRIM32-related condition.
Bardet-Biedl syndrome (BBS). Identifiers: Orphanet 110, MedGen C0752166, MONDO:0015229.

Allele frequency attached by ClinVar (database versions not stated): gnomAD exomes 0.00001; ExAC 0.00002; gnomAD 0.00002; TOPMed 0.00002.
gnomAD v4.1: 12 of 1,613,674 alleles (0.00074%); highest among the groups gnomAD compares: Non-Finnish European, 0.001%; no homozygotes.

Submissions (2):

Labcorp Genetics (formerly Invitae), Labcorp
Classification: Uncertain significance for Bardet-Biedl syndrome. Last evaluated: 2022-06-05. Review status: criteria provided, single submitter. Criteria: Invitae Variant Classification Sherloc (09022015). Collection method: clinical testing. Allele origin: germline.
Comment: This sequence change replaces isoleucine, which is neutral and non-polar, with threonine, which is neutral and polar, at codon 246 of the TRIM32 protein (p.Ile246Thr). This variant is present in population databases (rs533236140, gnomAD 0.003%). This variant has not been reported in the literature in individuals affected with TRIM32-related conditions. ClinVar contains an entry for this variant (Variation ID: 850975). Algorithms developed to predict the effect of missense changes on protein structure and function are either unavailable or do not agree on the potential impact of this missense change (SIFT: "Deleterious"; PolyPhen-2: "Benign"; Align-GVGD: "Class C25"). In summary, the available evidence is currently insufficient to determine the role of this variant in disease. Therefore, it has been classified as a Variant of Uncertain Significance.

PreventionGenetics, part of Exact Sciences
Classification: Uncertain significance for TRIM32-related condition. Last evaluated: 2024-04-03. Review status: no assertion criteria provided. Collection method: clinical testing. Allele origin: germline. Not counted in ClinVar's aggregate classification.
Comment: The TRIM32 c.737T>C variant is predicted to result in the amino acid substitution p.Ile246Thr. To our knowledge, this variant has not been reported in the literature. This variant is reported in 0.0026% of alleles in individuals of European (Non-Finnish) descent in gnomAD. At this time, the clinical significance of this variant is uncertain due to the absence of conclusive functional and genetic evidence.

NM_012210.4(TRIM32):c.737T>C (p.Ile246Thr)

Genes: ASTN2 (astrotactin 2; minus strand), TRIM32 (tripartite motif containing 32; plus strand). Cytogenetic location: 9q33.1.
Variant type: single nucleotide variant.
Coding change: c.737T>C on transcript NM_012210.4 (MANE Select); coding-DNA position 737, T replaced by C.
Protein change: p.Ile246Thr; replaces isoleucine 246 with threonine.
Molecular consequence: missense variant. On other transcripts: intron variant (3).
Genome position (GRCh38, 1-based): chr9:116,698,479, T>C. VCF-style: chr9-116698479-T-C. GRCh37 (hg19) VCF-style: chr9-119460758-T-C.
Other names: c.737T>C, p.Ile246Thr (NM_001099679.2, NM_001379048.1, NM_001379049.1 and 1 more transcripts); c.2653+27292A>G (NM_014010.5); c.2794+27292A>G (NM_001365069.1); c.2806+27292A>G (NM_001365068.1); short protein forms I246T.
Identifiers: ClinVar variation 850975 (VCV000850975.6), dbSNP rs533236140, ClinGen allele CA5211037.